The following is an entry in ClinVar:

NM_000312.4(PROC):c.487G>T (p.Ala163Ser)

Gene: PROC (protein C, inactivator of coagulation factors Va and VIIIa; plus strand). Cytogenetic location: 2q14.3.
Variant type: single nucleotide variant.
Coding change: c.487G>T on transcript NM_000312.4 (MANE Select); coding-DNA position 487, G replaced by T.
Protein change: p.Ala163Ser; replaces alanine 163 with serine.
Molecular consequence: missense variant.
Genome position (GRCh38, 1-based): chr2:127,423,360, G>T. VCF-style: chr2-127423360-G-T. GRCh37 (hg19) VCF-style: chr2-128180936-G-T.
Other names: c.670G>T, p.Ala224Ser (NM_001375602.1); c.652G>T, p.Ala218Ser (NM_001375603.1); c.550G>T, p.Ala184Ser (NM_001375604.1); c.589G>T, p.Ala197Ser (NM_001375605.1); c.655G>T, p.Ala219Ser (NM_001375606.1); c.673G>T, p.Ala225Ser (NM_001375607.1); c.430G>T, p.Ala144Ser (NM_001375608.1); c.463G>T, p.Ala155Ser (NM_001375609.1); and 2 more; short protein forms A144S, A155S, A161S, A163S, A184S, A197S, A218S, A219S.
Identifiers: ClinVar variation 2637580 (VCV002637580.2), dbSNP rs2468340041, ClinGen allele CA348400087.

ClinVar aggregate classification (germline): Uncertain significance. Review status: criteria provided, multiple submitters, no conflicts (2 of 4 stars). 2 submissions from 2 submitters: Uncertain significance (2). Last evaluated 2025-07-23.

Conditions:
Thrombophilia due to protein C deficiency, autosomal dominant. Also called: PROC DEFICIENCY, AUTOSOMAL DOMINANT; PROTEIN C DEFICIENCY, AUTOSOMAL DOMINANT. Identifiers: Orphanet 745, MedGen C2674321, MONDO:0008316, OMIM 176860. Disease mechanism: loss of function.

Allele frequency attached by ClinVar (database versions not stated): gnomAD exomes below 0.00001.
gnomAD v4.1: 1 of 1,550,404 alleles (0.000064%); highest among the groups gnomAD compares: African/African-American, 0.0014%; no homozygotes.

Submissions (2):

Labcorp Genetics (formerly Invitae), Labcorp
Classification: Uncertain significance for Thrombophilia due to protein C deficiency, autosomal dominant. Last evaluated: 2025-07-23. Review status: criteria provided, single submitter. Criteria: Invitae Variant Classification Sherloc (09022015). Collection method: clinical testing. Allele origin: germline.
Comment: This sequence change replaces alanine, which is neutral and non-polar, with serine, which is neutral and polar, at codon 163 of the PROC protein (p.Ala163Ser). This variant is not present in population databases (gnomAD no frequency). This variant has not been reported in the literature in individuals affected with PROC-related conditions. ClinVar contains an entry for this variant (Variation ID: 2637580). Invitae Evidence Modeling of protein sequence and biophysical properties (such as structural, functional, and spatial information, amino acid conservation, physicochemical variation, residue mobility, and thermodynamic stability) indicates that this missense variant is not expected to disrupt PROC protein function with a negative predictive value of 80%. In summary, the available evidence is currently insufficient to determine the role of this variant in disease. Therefore, it has been classified as a Variant of Uncertain Significance.

Women's Health and Genetics/Laboratory Corporation of America, LabCorp
Classification: Uncertain significance. Last evaluated: 2023-10-31. Review status: criteria provided, single submitter. Criteria: LabCorp Variant Classification Summary - May 2015. Collection method: clinical testing. Allele origin: germline.
Comment: Variant summary: PROC c.487G>T (p.Ala163Ser) results in a conservative amino acid change located in the EGF-like domain (IPR000742) of the encoded protein sequence. Three of five in-silico tools predict a benign effect of the variant on protein function. The variant was absent in 148450 control chromosomes. The available data on variant occurrences in the general population are insufficient to allow any conclusion about variant significance. To our knowledge, no occurrence of c.487G>T in individuals affected with Thrombophilia Due To Protein C Deficiency, Autosomal Dominant and no experimental evidence demonstrating its impact on protein function have been reported. However, other missense variants at the same position (Ala163Glu, Ala163Val, Ala163Thr) have been reported in individuals with protein C deficiency (PMID: 25618265, 21486865), with functional analysis of two of these variants (Ala163Glu, Ala163Val) demonstrating defects in protein secretion and increased targeting of the variant proteins to the proteasome (PMID: 25618265). This suggests that alterations of Ala163 may have functional consequences and/or be associated with protein C deficiency, but further studies and/or case reports would be necessary to reach this conclusion. No submitters have cited clinical-significance assessments for this variant to ClinVar after 2014. Based on the evidence outlined above, the variant was classified as VUS-possibly pathogenic.